The following is an entry in ClinVar:

ClinVar aggregate classification (germline): Uncertain significance. Review status: criteria provided, multiple submitters, no conflicts (2 of 4 stars). 2 submissions from 2 submitters: Uncertain significance (2). Last evaluated 2024-01-31.

Conditions:
Primary ciliary dyskinesia. Also called: Ciliary dyskinesia. Identifiers: Orphanet 244, MedGen C0008780, MONDO:0016575, HP:0012265.

Allele frequency attached by ClinVar (database versions not stated): gnomAD exomes 0.00008; ExAC 0.00010; TOPMed 0.00002; gnomAD 0.00003; ESP Exome Variant Server 0.00008.
gnomAD v4.1: 122 of 1,613,968 alleles (0.0076%); highest among the groups gnomAD compares: East Asian, 0.016%; no homozygotes.

Submissions (2):

Labcorp Genetics (formerly Invitae), Labcorp
Classification: Uncertain significance for Primary ciliary dyskinesia. Last evaluated: 2024-01-31. Review status: criteria provided, single submitter. Criteria: Invitae Variant Classification Sherloc (09022015). Collection method: clinical testing. Allele origin: germline.
Comment: This sequence change replaces aspartic acid, which is acidic and polar, with asparagine, which is neutral and polar, at codon 408 of the CCDC40 protein (p.Asp408Asn). This variant is present in population databases (rs377484770, gnomAD 0.03%). This variant has not been reported in the literature in individuals affected with CCDC40-related conditions. ClinVar contains an entry for this variant (Variation ID: 1753450). Advanced modeling of protein sequence and biophysical properties (such as structural, functional, and spatial information, amino acid conservation, physicochemical variation, residue mobility, and thermodynamic stability) performed at Invitae indicates that this missense variant is not expected to disrupt CCDC40 protein function with a negative predictive value of 80%. In summary, the available evidence is currently insufficient to determine the role of this variant in disease. Therefore, it has been classified as a Variant of Uncertain Significance.

Ambry Genetics
Classification: Uncertain significance for Primary ciliary dyskinesia. Last evaluated: 2021-12-13. Review status: criteria provided, single submitter. Criteria: Ambry Variant Classification Scheme 2023. Collection method: clinical testing. Allele origin: germline.

NM_017950.4(CCDC40):c.1222G>A (p.Asp408Asn)

Gene: CCDC40 (coiled-coil domain 40 molecular ruler complex subunit; plus strand). Cytogenetic location: 17q25.3.
Variant type: single nucleotide variant.
Coding change: c.1222G>A on transcript NM_017950.4 (MANE Select); coding-DNA position 1222, G replaced by A.
Protein change: p.Asp408Asn; replaces aspartic acid 408 with asparagine.
Molecular consequence: missense variant.
Genome position (GRCh38, 1-based): chr17:80,058,556, G>A. VCF-style: chr17-80058556-G-A. GRCh37 (hg19) VCF-style: chr17-78032355-G-A.
Other names: c.1222G>A, p.Asp408Asn (NM_001243342.2, NM_001330508.2); short protein forms D408N.
Identifiers: ClinVar variation 1753450 (VCV001753450.6), dbSNP rs377484770, ClinGen allele CA8813741.